The following is an entry in ClinVar:

ClinVar aggregate classification (germline): Uncertain significance. Review status: criteria provided, multiple submitters, no conflicts (2 of 4 stars). 2 submissions from 2 submitters: Uncertain significance (2). Last evaluated 2025-06-24.

Submissions (2):

Mayo Clinic Laboratories, Mayo Clinic
Classification: Uncertain significance. Last evaluated: 2025-06-24. Review status: criteria provided, single submitter. Criteria: ACMG Guidelines, 2015. Collection method: clinical testing. Allele origin: germline. Observed: 1 variant allele.

GeneDx
Classification: Uncertain significance. Last evaluated: 2023-06-07. Review status: criteria provided, single submitter. Criteria: GeneDx Variant Classification Process June 2021. Collection method: clinical testing. Allele origin: germline. Affected: yes.
Comment: Not observed at significant frequency in large population cohorts (gnomAD); In silico analysis supports that this missense variant does not alter protein structure/function; Has not been previously published as pathogenic or benign to our knowledge

NM_000051.4(ATM):c.1352G>T (p.Arg451Leu)

Gene: ATM (ATM serine/threonine kinase; plus strand). Cytogenetic location: 11q22.3.
Variant type: single nucleotide variant.
Coding change: c.1352G>T on transcript NM_000051.4 (MANE Select); coding-DNA position 1352, G replaced by T.
Protein change: p.Arg451Leu; replaces arginine 451 with leucine.
Molecular consequence: missense variant.
Genome position (GRCh38, 1-based): chr11:108,250,817, G>T. VCF-style: chr11-108250817-G-T. GRCh37 (hg19) VCF-style: chr11-108121544-G-T.
Other names: p.Arg451Leu; c.1352G>T, p.Arg451Leu (NM_001351834.2); short protein forms R451L.
Identifiers: ClinVar variation 3252986 (VCV003252986.2), dbSNP rs554805703.